The following is an entry in ClinVar:

NM_000218.3(KCNQ1):c.1069C>T (p.Gln357Ter)

Gene: KCNQ1 (potassium voltage-gated channel subfamily Q member 1; plus strand). Cytogenetic location: 11p15.5.
Variant type: single nucleotide variant.
Coding change: c.1069C>T on transcript NM_000218.3 (MANE Select); coding-DNA position 1069, C replaced by T.
Protein change: p.Gln357Ter; replaces glutamine 357 with a stop codon.
Molecular consequence: nonsense.
Genome position (GRCh38, 1-based): chr11:2,585,248, C>T. VCF-style: chr11-2585248-C-T. GRCh37 (hg19) VCF-style: chr11-2606478-C-T.
Other names: c.799C>T, p.Gln267Ter (NM_001406837.1); c.688C>T, p.Gln230Ter (NM_181798.2); short protein forms Q230*, Q357*, Q267*.
Identifiers: ClinVar variation 842027 (VCV000842027.11), dbSNP rs1554894743, ClinGen allele CA379133747.

ClinVar aggregate classification (germline): Pathogenic/Likely pathogenic. Review status: criteria provided, multiple submitters, no conflicts (2 of 4 stars). 3 submissions from 3 submitters: Pathogenic (1); Likely pathogenic (2). Last evaluated 2025-10-04.

Conditions:
Long QT syndrome (LQTS). Identifiers: MedGen C0023976, MeSH D008133, MONDO:0002442. Disease mechanism: loss of function. Inheritance: Various modes of inheritance.
KCNQ1-related disorder. Also called: KCNQ1-related condition; KCNQ1-related disorders. Identifiers: MedGen CN239322.

Allele frequency attached by ClinVar (database versions not stated): gnomAD exomes below 0.00001.
gnomAD v4.1: 2 of 1,614,086 alleles (0.00012%); highest among the groups gnomAD compares: East Asian, 0.0022%; no homozygotes.

Submissions (3):

Labcorp Genetics (formerly Invitae), Labcorp
Classification: Pathogenic for Long QT syndrome. Last evaluated: 2025-10-04. Review status: criteria provided, single submitter. Criteria: Invitae Variant Classification Sherloc (09022015). Collection method: clinical testing. Allele origin: germline.
Comment: This sequence change creates a premature translational stop signal (p.Gln357*) in the KCNQ1 gene. It is expected to result in an absent or disrupted protein product. Loss-of-function variants in KCNQ1 are known to be pathogenic (PMID: 9323054, 19862833). This variant is not present in population databases (gnomAD no frequency). This variant has not been reported in the literature in individuals affected with KCNQ1-related conditions. ClinVar contains an entry for this variant (Variation ID: 842027). Algorithms developed to predict the effect of sequence changes on RNA splicing suggest that this variant may disrupt the consensus splice site. For these reasons, this variant has been classified as Pathogenic.

All of Us Research Program, National Institutes of Health
Classification: Likely pathogenic for Long QT syndrome. Last evaluated: 2024-08-29. Review status: criteria provided, single submitter. Criteria: ACMG Guidelines, 2015. Collection method: clinical testing. Allele origin: germline. Inheritance: Autosomal dominant inheritance. Observed: 1 variant allele, 1 heterozygote.
Comment: This variant is predicted to result in loss of protein function through nonsense-mediated decay or protein truncation. Loss of function is an established mechanism of disease. This variant has been reported as homozygous in a child with long QT syndrome and hearing loss (PMID: 32470535). This variant is absent from large population databases, including the Genome Aggregation Database.

This study involves interpretation of variants in research participants for the purpose of population health screening. Participant phenotype was not available at the time of variant classification. Additional details can be found in publication PMID: 35346344, PMCID: PMC8962531

Rady Children's Institute for Genomic Medicine, Rady Children's Hospital San Diego
Classification: Likely pathogenic for KCNQ1-related disorders. Review status: criteria provided, single submitter. Criteria: ACMG Guidelines, 2015. Collection method: clinical testing. Allele origin: germline. Affected: yes.
Comment: This nonsense variant found in exon 8 of 16 is predicted to result in loss of normal protein function through either protein truncation or nonsense-mediated mRNA decay (NMD). This variant has been previously reported as a homozygous change in a patient with long QT syndrome (PMID: 32470535). Missense variation at nearby amino acid residues (p.Gln357Arg and p.Gln357Glu) has been previously reported in individuals with long QT syndrome (PMID: 34505893, 27920829). Loss-of-function variation in KCNQ1 is an established mechanism of disease (PMID: 29532034). The c.1069C>T (p.Gln357Ter) variant is absent from the gnomAD population database and thus is presumed to be rare. Based on the available evidence, the c.1069C>T (p.Gln357Ter) variant is classified as Likely Pathogenic.

Literature cited by the submitters: PubMed 9323054 (cited by Labcorp Genetics (formerly Invitae), Labcorp); PubMed 19862833 (cited by Labcorp Genetics (formerly Invitae), Labcorp); PubMed 32470535 (cited by All of Us Research Program, National Institutes of Health).